The following is an entry in ClinVar:

ClinVar aggregate classification (germline): Uncertain significance (1 of 4 stars; one submission).

Conditions:
SLC29A3-related disorder. Also called: SLC29A3-related condition.

gnomAD v4.1: 5 of 645,290 alleles (0.00077%); highest among the groups gnomAD compares: Non-Finnish European, 0.0014%; no homozygotes.

Submission:

PreventionGenetics, part of Exact Sciences
Classification: Uncertain significance for SLC29A3-related condition. Last evaluated: 2026-08-26. Review status: criteria provided, single submitter. Criteria: ACMG Guidelines, 2015. Collection method: clinical testing. Allele origin: germline.
Comment: The SLC29A3 c.-8G>A variant is located in the 5' untranslated region. To our knowledge, this variant has not been reported in the literature. This variant is reported in 0.0065% of alleles in individuals of European (Non-Finnish) descent in gnomAD. At this time, the clinical significance of this variant is uncertain due to the absence of conclusive functional and genetic evidence.

NM_018344.6(SLC29A3):c.-8G>A

Genes: SLC29A3 (solute carrier family 29 member 3; plus strand), LOC130004025 (ATAC-STARR-seq lymphoblastoid silent region 2461; plus strand). Cytogenetic location: 10q22.1.
Variant type: single nucleotide variant.
Coding change: c.-8G>A on transcript NM_018344.6 (MANE Select); 8 bases upstream of the start codon, G replaced by A.
Molecular consequence: 5 prime UTR variant. On other transcripts: non-coding transcript variant (2).
Genome position (GRCh38, 1-based): chr10:71,319,302, G>A. VCF-style: chr10-71319302-G-A. GRCh37 (hg19) VCF-style: chr10-73079059-G-A.
Other names: c.-8G>A (NM_001174098.2); c.-663G>A (NM_001363518.2).
Identifiers: ClinVar variation 4986604 (VCV004986604.1).